The following is an entry in ClinVar:

NM_206926.2(SELENON):c.984dup (p.Pro329fs)

Gene: SELENON (selenoprotein N; plus strand). Cytogenetic location: 1p36.11.
Variant type: Duplication.
Coding change: c.984dup on transcript NM_206926.2 (MANE Select); coding-DNA position 984, one base duplicated (A; older notation c.984dupA).
Protein change: p.Pro329fs; shifts the reading frame from proline 329.
Molecular consequence: frameshift variant.
Genome position (GRCh38, 1-based): chr1:25,811,529, A duplicated. VCF-style (leftmost placement, unchanged base first): chr1-25811528-T-TA. GRCh37 (hg19) VCF-style: chr1-26138019-T-TA.
Other names: c.1086dup, p.Pro363fs (NM_020451.3); short protein forms P329fs, P363fs.
Identifiers: ClinVar variation 1076253 (VCV001076253.7), dbSNP rs2124450830, ClinGen allele CA2499214664.

ClinVar aggregate classification (germline): Pathogenic (1 of 4 stars; one submission).

Conditions:
Eichsfeld type congenital muscular dystrophy (CMYO3). Also called: Rigid spine muscular dystrophy 1; MYOPATHY, SEPN1-RELATED; SELENON-related myopathy; Congenital myopathy 3 with rigid spine. Identifiers: MedGen C0410180, MONDO:0100100, OMIM 602771.

Submission:

Labcorp Genetics (formerly Invitae), Labcorp
Classification: Pathogenic for Eichsfeld type congenital muscular dystrophy. Last evaluated: 2017-11-30. Review status: criteria provided, single submitter. Criteria: Invitae Variant Classification Sherloc (09022015). Collection method: clinical testing. Allele origin: germline.
Comment: For these reasons, this variant has been classified as Pathogenic. Loss-of-function variants in SELENON are known to be pathogenic (PMID: 21131290, 21670436). This variant has not been reported in the literature in individuals with SELENON-related disease. This variant is not present in population databases (ExAC no frequency). This sequence change creates a premature translational stop signal (p.?) in the SELENON gene. It is expected to result in an absent or disrupted protein product.

Literature cited by the submitters: PubMed 21131290; PubMed 21670436.